The following is an entry in ClinVar:

ClinVar aggregate classification (germline): Likely benign. Review status: criteria provided, multiple submitters, no conflicts (2 of 4 stars). 3 submissions from 3 submitters: Likely benign (3). Last evaluated 2025-12-10.

Conditions:
LCA5-related disorder. Also called: LCA5-related condition.

Allele frequency attached by ClinVar (database versions not stated): gnomAD exomes below 0.00001; ExAC 0.00001; gnomAD 0.00001; TOPMed 0.00003.
gnomAD v4.1: 4 of 1,613,350 alleles (0.00025%); highest among the groups gnomAD compares: African/African-American, 0.0053%; no homozygotes.

Submissions (3):

Labcorp Genetics (formerly Invitae), Labcorp
Classification: Likely benign. Last evaluated: 2025-12-10. Review status: criteria provided, single submitter. Criteria: Invitae Variant Classification Sherloc (09022015). Collection method: clinical testing. Allele origin: germline.

PreventionGenetics, part of Exact Sciences
Classification: Likely benign for LCA5-related condition. Last evaluated: 2024-11-06. Review status: criteria provided, single submitter. Criteria: ACMG Guidelines, 2015. Collection method: clinical testing. Allele origin: germline.
Comment: This variant is classified as likely benign based on ACMG/AMP sequence variant interpretation guidelines (Richards et al. 2015 PMID: 25741868, with internal and published modifications).

Blueprint Genetics
Classification: Likely benign. Last evaluated: 2023-12-14. Review status: criteria provided, single submitter. Criteria: ACMG Guidelines, 2015. Collection method: clinical testing. Allele origin: germline.

NM_001122769.3(LCA5):c.798G>A (p.Glu266=)

Gene: LCA5 (lebercilin LCA5; minus strand). Cytogenetic location: 6q14.1.
Variant type: single nucleotide variant.
Coding change: c.798G>A on transcript NM_001122769.3 (MANE Select); coding-DNA position 798, G replaced by A.
Protein change: p.Glu266=; no amino-acid change (glutamic acid 266 retained).
Molecular consequence: synonymous variant.
Genome position (GRCh38, 1-based): chr6:79,493,673, C>T on the plus strand (G>A on the coding strand, the complement: LCA5 is on the minus strand). VCF-style: chr6-79493673-C-T. GRCh37 (hg19) VCF-style: chr6-80203390-C-T.
Other names: c.798G>A (NM_181714.3); c.798G>A, p.Glu266= (NM_181714.4).
Identifiers: ClinVar variation 1100398 (VCV001100398.11), dbSNP rs775608076, ClinGen allele CA3901025.